The following is an entry in ClinVar:

ClinVar aggregate classification (germline): Uncertain significance. Review status: criteria provided, multiple submitters, no conflicts (2 of 4 stars). 2 submissions from 2 submitters: Uncertain significance (2). Last evaluated 2025-02-10.

Allele frequency attached by ClinVar (database versions not stated): gnomAD exomes 0.00001.
gnomAD v4.1: 8 of 1,613,686 alleles (0.0005%); highest among the groups gnomAD compares: East Asian, 0.0022%; no homozygotes.

Submissions (2):

Women's Health and Genetics/Laboratory Corporation of America, LabCorp
Classification: Uncertain significance. Last evaluated: 2025-02-10. Review status: criteria provided, single submitter. Criteria: LabCorp Variant Classification Summary - May 2015. Collection method: clinical testing. Allele origin: germline.
Comment: Variant summary: FLRT3 c.487C>T (p.Arg163Cys) results in a non-conservative amino acid change located in the Leucine-rich repeat N-terminal domain (IPR000372) of the encoded protein sequence. Four of five in-silico tools predict a damaging effect of the variant on protein function. The variant allele was found at a frequency of 5e-06 in 1606724 control chromosomes in the gnomAD database (v4.1 dataset). The available data on variant occurrences in the general population are insufficient to allow any conclusion about variant significance. To our knowledge, no occurrence of c.487C>T in individuals affected with Hypogonadotropic Hypogonadism 21 With Or Without Anosmia and no experimental evidence demonstrating its impact on protein function have been reported. ClinVar contains an entry for this variant (Variation ID: 2549592). Based on the evidence outlined above, the variant was classified as uncertain significance.

Ambry Genetics
Classification: Uncertain significance. Last evaluated: 2023-05-23. Review status: criteria provided, single submitter. Criteria: Ambry Variant Classification Scheme 2023. Collection method: clinical testing. Allele origin: germline.

NM_198391.3(FLRT3):c.487C>T (p.Arg163Cys)

Genes: FLRT3 (fibronectin leucine rich transmembrane protein 3; minus strand), MACROD2 (mono-ADP ribosylhydrolase 2; plus strand). Cytogenetic location: 20p12.1.
Variant type: single nucleotide variant.
Coding change: c.487C>T on transcript NM_198391.3 (MANE Select); coding-DNA position 487, C replaced by T.
Protein change: p.Arg163Cys; replaces arginine 163 with cysteine.
Molecular consequence: missense variant. On other transcripts: intron variant (3).
Genome position (GRCh38, 1-based): chr20:14,327,020, G>A on the plus strand (C>T on the coding strand, the complement: FLRT3 is on the minus strand). VCF-style: chr20-14327020-G-A. GRCh37 (hg19) VCF-style: chr20-14307666-G-A.
Other names: c.487C>T, p.Arg163Cys (NM_013281.4); c.272-166459G>A (NM_001351661.2, NM_001351663.2, NM_080676.6); short protein forms R163C.
Identifiers: ClinVar variation 2549592 (VCV002549592.3), dbSNP rs946077075, ClinGen allele CA312210451.
Genomic context (GRCh38, chr20:14,327,020, plus strand): 5'-CCAAGCGTAGTTCTTCTATAGTCCTGGGCAAACCCCAGGGAATTGTGCTAAGGTGATTAC[G>A]GGACAGGAAAAGCAGTCGGAGATAGTTGCTGTCTCGGAATGCTCCCTCTTCTATGCTAAC-3'
Protein context (NP_938205.1, residues 153-173): SNYLRLLFLS[Arg163Cys]NHLSTIPWGL